The following is an entry in ClinVar:

ClinVar aggregate classification (germline): Likely benign. Review status: criteria provided, multiple submitters, no conflicts (2 of 4 stars). 2 submissions from 2 submitters: Likely benign (2). Last evaluated 2026-04-01.

Conditions:
COL4A6-related disorder. Also called: COL4A6-related condition.

Allele frequency attached by ClinVar (database versions not stated): TOPMed 0.00001; ExAC 0.00002; gnomAD exomes 0.00002.
gnomAD v4.1: 21 of 1,206,801 alleles (0.0017%); highest among the groups gnomAD compares: Middle Eastern, 0.092%; no homozygotes.

Submissions (2):

PreventionGenetics, part of Exact Sciences
Classification: Likely benign for COL4A6-related condition. Last evaluated: 2026-04-01. Review status: criteria provided, single submitter. Criteria: ACMG Guidelines, 2015. Collection method: clinical testing. Allele origin: germline.
Comment: This variant is classified as likely benign based on ACMG/AMP sequence variant interpretation guidelines (Richards et al. 2015 PMID: 25741868, with internal and published modifications).

CeGaT Center for Human Genetics Tuebingen
Classification: Likely benign. Last evaluated: 2024-01-01. Review status: criteria provided, single submitter. Criteria: CeGaT Center For Human Genetics Tuebingen Variant Classification Criteria Version 2. Collection method: clinical testing. Allele origin: germline. Affected: yes. Observed: 2 variant alleles.
Comment: COL4A6: BP4

NM_033641.4(COL4A6):c.609+7T>C

Gene: COL4A6 (collagen type IV alpha 6 chain; minus strand). Cytogenetic location: Xq22.3.
Variant type: single nucleotide variant.
Coding change: c.609+7T>C on transcript NM_033641.4 (MANE Select); 7 bases into the intron after coding-DNA position 609, T replaced by C.
Molecular consequence: intron variant.
Genome position (GRCh38, 1-based): chrX:108,206,511, A>G on the plus strand (T>C on the coding strand, the complement: COL4A6 is on the minus strand). VCF-style: chrX-108206511-A-G. GRCh37 (hg19) VCF-style: chrX-107449741-A-G.
Other names: c.612+7T>C (NM_001847.3, NM_001847.4); c.609+7T>C (NM_001287760.2, NM_001287759.2, NM_001287758.2).
Identifiers: ClinVar variation 2661166 (VCV002661166.25), dbSNP rs771814133, ClinGen allele CA10488106.
Genomic context (GRCh38, chrX:108,206,511, plus strand): 5'-CCATAGTATGTAGGGAAAACAACCATGTGAACACTGTGATCACAAACTAGGCTTAAATTG[A>G]TCTTACTTGTAATCCTGGTGGTCCTGCAGGTCCTACAGCTCCAGGAAATCCGGGTGCTCC-3'